The following is an entry in ClinVar:

ClinVar aggregate classification (germline): Uncertain significance. Review status: criteria provided, multiple submitters, no conflicts (2 of 4 stars). 2 submissions from 2 submitters: Uncertain significance (2). Last evaluated 2025-04-29.

Allele frequency attached by ClinVar (database versions not stated): TOPMed 0.00002.
gnomAD v4.1: 14 of 1,612,930 alleles (0.00087%); highest among the groups gnomAD compares: African/African-American, 0.016%; no homozygotes.

Submissions (2):

Ambry Genetics
Classification: Uncertain significance. Last evaluated: 2025-04-29. Review status: criteria provided, single submitter. Criteria: Ambry Variant Classification Scheme 2023. Collection method: clinical testing. Allele origin: germline.

Labcorp Genetics (formerly Invitae), Labcorp
Classification: Uncertain significance. Last evaluated: 2025-03-20. Review status: criteria provided, single submitter. Criteria: Invitae Variant Classification Sherloc (09022015). Collection method: clinical testing. Allele origin: germline.
Comment: This sequence change replaces arginine, which is basic and polar, with leucine, which is neutral and non-polar, at codon 123 of the PITPNM3 protein (p.Arg123Leu). This variant is present in population databases (rs762779113, gnomAD 0.008%). This variant has not been reported in the literature in individuals affected with PITPNM3-related conditions. ClinVar contains an entry for this variant (Variation ID: 841049). Invitae Evidence Modeling of protein sequence and biophysical properties (such as structural, functional, and spatial information, amino acid conservation, physicochemical variation, residue mobility, and thermodynamic stability) indicates that this missense variant is not expected to disrupt PITPNM3 protein function with a negative predictive value of 80%. In summary, the available evidence is currently insufficient to determine the role of this variant in disease. Therefore, it has been classified as a Variant of Uncertain Significance.

NM_031220.4(PITPNM3):c.368G>T (p.Arg123Leu)

Gene: PITPNM3 (PITPNM family member 3; minus strand). Cytogenetic location: 17p13.2.
Variant type: single nucleotide variant.
Coding change: c.368G>T on transcript NM_031220.4 (MANE Select); coding-DNA position 368, G replaced by T.
Protein change: p.Arg123Leu; replaces arginine 123 with leucine.
Molecular consequence: missense variant.
Genome position (GRCh38, 1-based): chr17:6,483,736, C>A on the plus strand (G>T on the coding strand, the complement: PITPNM3 is on the minus strand). VCF-style: chr17-6483736-C-A. GRCh37 (hg19) VCF-style: chr17-6387056-C-A.
Other names: c.260G>T, p.Arg87Leu (NM_001165966.2); short protein forms R123L, R87L.
Identifiers: ClinVar variation 841049 (VCV000841049.10), dbSNP rs762779113, ClinGen allele CA8329837.
Genomic context (GRCh38, chr17:6,483,736, plus strand): 5'-CCCGTGTCCAGGATGTTTCCCCCATGCAGGACCAGCAGGAGGACATGTGTCTTGCAGGAG[C>A]GCTGCGGGCAGCCTTCCTGAGAGCCAAGGCGGTTGGAATACAGAGAGAGAGGCGGCTGGG-3'
Protein context (NP_112497.2, residues 113-133): HEDSEEGCPQ[Arg123Leu]SCKTHVLLLV